The following is an entry in ClinVar:

NM_006662.3(SRCAP):c.8247G>C (p.Lys2749Asn)

Gene: SRCAP (Snf2 related CREBBP activator protein; plus strand). Cytogenetic location: 16p11.2.
Variant type: single nucleotide variant.
Coding change: c.8247G>C on transcript NM_006662.3 (MANE Select); coding-DNA position 8247, G replaced by C.
Protein change: p.Lys2749Asn; replaces lysine 2749 with asparagine.
Molecular consequence: missense variant.
Genome position (GRCh38, 1-based): chr16:30,738,287, G>C. VCF-style: chr16-30738287-G-C. GRCh37 (hg19) VCF-style: chr16-30749608-G-C.
Other names: short protein forms K2749N.
Identifiers: ClinVar variation 2879782 (VCV002879782.3), dbSNP rs750918260, ClinGen allele CA395636780.

ClinVar aggregate classification (germline): Uncertain significance (1 of 4 stars; one submission).

Allele frequency attached by ClinVar (database versions not stated): TOPMed below 0.00001; gnomAD 0.00001.
gnomAD v4.1: 2 of 1,603,346 alleles (0.00012%); highest among the groups gnomAD compares: Non-Finnish European, 0.00017%; no homozygotes.

Submission:

Labcorp Genetics (formerly Invitae), Labcorp
Classification: Uncertain significance. Last evaluated: 2023-10-25. Review status: criteria provided, single submitter. Criteria: Invitae Variant Classification Sherloc (09022015). Collection method: clinical testing. Allele origin: germline.
Comment: This sequence change replaces lysine, which is basic and polar, with asparagine, which is neutral and polar, at codon 2749 of the SRCAP protein (p.Lys2749Asn). This variant is not present in population databases (gnomAD no frequency). This variant has not been reported in the literature in individuals affected with SRCAP-related conditions. Advanced modeling of protein sequence and biophysical properties (such as structural, functional, and spatial information, amino acid conservation, physicochemical variation, residue mobility, and thermodynamic stability) performed at Invitae indicates that this missense variant is not expected to disrupt SRCAP protein function with a negative predictive value of 80%. In summary, the available evidence is currently insufficient to determine the role of this variant in disease. Therefore, it has been classified as a Variant of Uncertain Significance.